The following is an entry in ClinVar:

ClinVar aggregate classification (germline): Uncertain significance (1 of 4 stars; one submission).

Allele frequency attached by ClinVar (database versions not stated): ExAC 0.00001.
gnomAD v4.1: 64 of 1,613,992 alleles (0.004%); highest among the groups gnomAD compares: African/African-American, 0.0067%; no homozygotes.

Submission:

Labcorp Genetics (formerly Invitae), Labcorp
Classification: Uncertain significance. Last evaluated: 2025-12-08. Review status: criteria provided, single submitter. Criteria: Invitae Variant Classification Sherloc (09022015). Collection method: clinical testing. Allele origin: germline.
Comment: This sequence change replaces alanine, which is neutral and non-polar, with threonine, which is neutral and polar, at codon 3092 of the DNAH9 protein (p.Ala3092Thr). This variant is present in population databases (rs747104009, gnomAD 0.005%). This variant has not been reported in the literature in individuals affected with DNAH9-related conditions. ClinVar contains an entry for this variant (Variation ID: 2190407). Invitae Evidence Modeling of protein sequence and biophysical properties (such as structural, functional, and spatial information, amino acid conservation, physicochemical variation, residue mobility, and thermodynamic stability) indicates that this missense variant is not expected to disrupt DNAH9 protein function with a negative predictive value of 80%. In summary, the available evidence is currently insufficient to determine the role of this variant in disease. Therefore, it has been classified as a Variant of Uncertain Significance.

NM_001372.4(DNAH9):c.9274G>A (p.Ala3092Thr)

Gene: DNAH9 (dynein axonemal heavy chain 9; plus strand). Cytogenetic location: 17p12.
Variant type: single nucleotide variant.
Coding change: c.9274G>A on transcript NM_001372.4 (MANE Select); coding-DNA position 9274, G replaced by A.
Protein change: p.Ala3092Thr; replaces alanine 3092 with threonine.
Molecular consequence: missense variant.
Genome position (GRCh38, 1-based): chr17:11,834,665, G>A. VCF-style: chr17-11834665-G-A. GRCh37 (hg19) VCF-style: chr17-11737982-G-A.
Other names: short protein forms A3092T.
Identifiers: ClinVar variation 2190407 (VCV002190407.2), dbSNP rs747104009, ClinGen allele CA8397187.